The following is an entry in ClinVar:

NM_001739.2(CA5A):c.595A>T (p.Ile199Phe)

Gene: CA5A (carbonic anhydrase 5A; minus strand). Cytogenetic location: 16q24.2.
Variant type: single nucleotide variant.
Coding change: c.595A>T on transcript NM_001739.2 (MANE Select); coding-DNA position 595, A replaced by T.
Protein change: p.Ile199Phe; replaces isoleucine 199 with phenylalanine.
Molecular consequence: missense variant. On other transcripts: non-coding transcript variant (2).
Genome position (GRCh38, 1-based): chr16:87,901,935, T>A on the plus strand (A>T on the coding strand, the complement: CA5A is on the minus strand). VCF-style: chr16-87901935-T-A. GRCh37 (hg19) VCF-style: chr16-87935541-T-A.
Other names: c.595A>T, p.Ile199Phe (NM_001367225.1); short protein forms I199F.
Identifiers: ClinVar variation 857738 (VCV000857738.9), dbSNP rs769123644, ClinGen allele CA397040894.

ClinVar aggregate classification (germline): Uncertain significance (1 of 4 stars; one submission).

Conditions:
Hyperammonemic encephalopathy due to carbonic anhydrase VA deficiency. Also called: Carbonic anhydrase VA deficiency, hyperammonemia due to; Carbonic Anhydrase VA Deficiency. Identifiers: Orphanet 401948, MedGen C4706871, MONDO:0014332, OMIM 615751.

gnomAD v4.1: 1 of 1,613,612 alleles (0.000062%); no homozygotes.

Submission:

Labcorp Genetics (formerly Invitae), Labcorp
Classification: Uncertain significance for Hyperammonemic encephalopathy due to carbonic anhydrase VA deficiency. Last evaluated: 2022-03-15. Review status: criteria provided, single submitter. Criteria: Invitae Variant Classification Sherloc (09022015). Collection method: clinical testing. Allele origin: germline.
Comment: In summary, the available evidence is currently insufficient to determine the role of this variant in disease. Therefore, it has been classified as a Variant of Uncertain Significance. Algorithms developed to predict the effect of missense changes on protein structure and function are either unavailable or do not agree on the potential impact of this missense change (SIFT: "Deleterious"; PolyPhen-2: "Possibly Damaging"; Align-GVGD: "Class C0"). ClinVar contains an entry for this variant (Variation ID: 857738). This variant has not been reported in the literature in individuals affected with CA5A-related conditions. This variant is not present in population databases (gnomAD no frequency). This sequence change replaces isoleucine, which is neutral and non-polar, with phenylalanine, which is neutral and non-polar, at codon 199 of the CA5A protein (p.Ile199Phe).